The following is an entry in ClinVar:

NM_001352514.2(HLCS):c.1920G>A (p.Met640Ile)

Gene: HLCS (holocarboxylase synthetase; minus strand). Cytogenetic location: 21q22.13.
Variant type: single nucleotide variant.
Coding change: c.1920G>A on transcript NM_001352514.2 (MANE Select); coding-DNA position 1920, G replaced by A.
Protein change: p.Met640Ile; replaces methionine 640 with isoleucine.
Molecular consequence: missense variant. On other transcripts: non-coding transcript variant (2).
Genome position (GRCh38, 1-based): chr21:36,767,258, C>T on the plus strand (G>A on the coding strand, the complement: HLCS is on the minus strand). VCF-style: chr21-36767258-C-T. GRCh37 (hg19) VCF-style: chr21-38139559-C-T.
Other names: c.1479G>A, p.Met493Ile (NM_000411.8, NM_001242784.3, NM_001242785.2 and 4 more transcripts); short protein forms M640I, M493I.
Identifiers: ClinVar variation 1349920 (VCV001349920.8), dbSNP rs2145777174, ClinGen allele CA409921912.

ClinVar aggregate classification (germline): Uncertain significance (1 of 4 stars; one submission).

Conditions:
Holocarboxylase synthetase deficiency. Also called: MULTIPLE CARBOXYLASE DEFICIENCY, EARLY ONSET. Identifiers: Orphanet 79242, MedGen C0268581, MONDO:0009666, OMIM 253270.

Submission:

Labcorp Genetics (formerly Invitae), Labcorp
Classification: Uncertain significance for Holocarboxylase synthetase deficiency. Last evaluated: 2024-10-24. Review status: criteria provided, single submitter. Criteria: Invitae Variant Classification Sherloc (09022015). Collection method: clinical testing. Allele origin: germline.
Comment: This sequence change replaces methionine, which is neutral and non-polar, with isoleucine, which is neutral and non-polar, at codon 493 of the HLCS protein (p.Met493Ile). This variant is not present in population databases (gnomAD no frequency). This variant has not been reported in the literature in individuals affected with HLCS-related conditions. ClinVar contains an entry for this variant (Variation ID: 1349920). Invitae Evidence Modeling of protein sequence and biophysical properties (such as structural, functional, and spatial information, amino acid conservation, physicochemical variation, residue mobility, and thermodynamic stability) has been performed for this missense variant. However, the output from this modeling did not meet the statistical confidence thresholds required to predict the impact of this variant on HLCS protein function. In summary, the available evidence is currently insufficient to determine the role of this variant in disease. Therefore, it has been classified as a Variant of Uncertain Significance.